The following is an entry in ClinVar:

NM_006690.4(MMP24):c.104T>G (p.Leu35Arg)

Genes: MMP24 (matrix metallopeptidase 24; plus strand), MMP24-AS1-EDEM2 (MMP24-AS1-EDEM2 readthrough; minus strand). Cytogenetic location: 20q11.22.
Variant type: single nucleotide variant.
Coding change: c.104T>G on transcript NM_006690.4 (MANE Select); coding-DNA position 104, T replaced by G.
Protein change: p.Leu35Arg; replaces leucine 35 with arginine.
Molecular consequence: missense variant. On other transcripts: intron variant (1).
Genome position (GRCh38, 1-based): chr20:35,226,842, T>G. VCF-style: chr20-35226842-T-G. GRCh37 (hg19) VCF-style: chr20-33814645-T-G.
Other names: c.-351-8781A>C (NM_001355008.2); short protein forms L35R.
Identifiers: ClinVar variation 3162509 (VCV003162509.1), dbSNP rs1189001038, ClinGen allele CA408706864.
Genomic context (GRCh38, chr20:35,226,842, plus strand): 5'-CGCCGCCGCCGCCGCCGGGCCAGGCCCCGCGCTGGAGCCGCTGGCGGGTCCCTGGGCGGC[T>G]GCTGCTGCTGCTGCTGCCCGCGCTCTGCTGCCTCCCGGGCGCCGCGCGGGCGGCGGCGGC-3'
Protein context (NP_006681.1, residues 25-45): RWSRWRVPGR[Leu35Arg]LLLLLPALCC

ClinVar aggregate classification (germline): Uncertain significance (1 of 4 stars; one submission).

Allele frequency attached by ClinVar (database versions not stated): gnomAD 0.00001.

Submission:

Ambry Genetics
Classification: Uncertain significance. Last evaluated: 2023-11-17. Review status: criteria provided, single submitter. Criteria: Ambry Variant Classification Scheme 2023. Collection method: clinical testing. Allele origin: germline.
Comment: The c.104T>G (p.L35R) alteration is located in exon (coding exon ) of the MMP24 gene. This alteration results from a T to G substitution at nucleotide position 104, causing the leucine (L) at amino acid position 35 to be replaced by an arginine (R). Based on insufficient or conflicting evidence, the clinical significance of this alteration remains unclear.